The following is an entry in ClinVar:

NM_014806.5(RUSC2):c.2324C>T (p.Ser775Leu)

Gene: RUSC2 (RUN and SH3 domain containing 2; plus strand). Cytogenetic location: 9p13.3.
Variant type: single nucleotide variant.
Coding change: c.2324C>T on transcript NM_014806.5 (MANE Select); coding-DNA position 2324, C replaced by T.
Protein change: p.Ser775Leu; replaces serine 775 with leucine.
Molecular consequence: missense variant. On other transcripts: 5 prime UTR variant (1), non-coding transcript variant (1).
Genome position (GRCh38, 1-based): chr9:35,555,369, C>T. VCF-style: chr9-35555369-C-T. GRCh37 (hg19) VCF-style: chr9-35555366-C-T.
Other names: c.2324C>T, p.Ser775Leu (NM_001135999.2); c.-311C>T (NM_001330740.2); short protein forms S775L.
Identifiers: ClinVar variation 1031867 (VCV001031867.6), dbSNP rs763555777, ClinGen allele CA5043843.

ClinVar aggregate classification (germline): Uncertain significance. Review status: criteria provided, multiple submitters, no conflicts (2 of 4 stars). 2 submissions from 2 submitters: Uncertain significance (2). Last evaluated 2021-08-15.

Conditions:
Intellectual developmental disorder, autosomal recessive 61. Also called: ALWADEI SYNDROME; Intellectual disability, autosomal recessive 61; MENTAL RETARDATION, AUTOSOMAL RECESSIVE 61. Identifiers: MedGen C4540424, MONDO:0030915, OMIM 617773.

Allele frequency attached by ClinVar (database versions not stated): gnomAD exomes 0.00001 and below 0.00001; ExAC 0.00003; TOPMed 0.00003; gnomAD 0.00001.
gnomAD v4.1: 7 of 1,614,126 alleles (0.00043%); highest among the groups gnomAD compares: East Asian, 0.0022%; no homozygotes.

Submissions (2):

Labcorp Genetics (formerly Invitae), Labcorp
Classification: Uncertain significance. Last evaluated: 2021-08-15. Review status: criteria provided, single submitter. Criteria: Invitae Variant Classification Sherloc (09022015). Collection method: clinical testing. Allele origin: germline.
Comment: This variant is present in population databases (rs763555777, ExAC 0.03%). In summary, the available evidence is currently insufficient to determine the role of this variant in disease. Therefore, it has been classified as a Variant of Uncertain Significance. Algorithms developed to predict the effect of missense changes on protein structure and function (SIFT, PolyPhen-2, Align-GVGD) all suggest that this variant is likely to be disruptive. ClinVar contains an entry for this variant (Variation ID: 1031867). This variant has not been reported in the literature in individuals affected with RUSC2-related conditions. This sequence change replaces serine with leucine at codon 775 of the RUSC2 protein (p.Ser775Leu). The serine residue is highly conserved and there is a large physicochemical difference between serine and leucine.

Baylor Genetics
Classification: Uncertain significance for Intellectual developmental disorder, autosomal recessive 61. Last evaluated: 2018-12-11. Review status: criteria provided, single submitter. Criteria: ACMG Guidelines, 2015. Collection method: clinical testing. Allele origin: unknown. Affected: yes.
Comment: This variant was determined to be of uncertain significance according to ACMG Guidelines, 2015 [PMID:25741868].